The following is an entry in ClinVar:

NM_001943.5(DSG2):c.1361_1387del (p.Asp454_Asn462del)

Gene: DSG2 (desmoglein 2; plus strand). Cytogenetic location: 18q12.1.
Variant type: Deletion.
Coding change: c.1361_1387del on transcript NM_001943.5 (MANE Select); coding-DNA positions 1361 to 1387, 27 bases deleted (ATTTTGAATCTAGATATGTTCAAAATG).
Protein change: p.Asp454_Asn462del.
Molecular consequence: inframe deletion.
Genome position (GRCh38, 1-based): chr18:31,535,350-31,535,376, ATTTTGAATCTAGATATGTTCAAAATG deleted; deleting any 27 consecutive bases within chr18:31,535,348-31,535,376 gives the same sequence; the c. name uses the placement nearest the transcript's 3' end. VCF-style (leftmost placement, unchanged base first): chr18-31535347-CTGATTTTGAATCTAGATATGTTCAAAA-C. GRCh37 (hg19) VCF-style: chr18-29115310-CTGATTTTGAATCTAGATATGTTCAAAA-C.
Identifiers: ClinVar variation 1017451 (VCV001017451.8), dbSNP rs2073222763, ClinGen allele CA2293861676.

ClinVar aggregate classification (germline): Uncertain significance (1 of 4 stars; one submission).

Conditions:
Arrhythmogenic right ventricular dysplasia 10. Also called: Arrhythmogenic Right Ventricular Dysplasia/Cardiomyopathy10; ARRHYTHMOGENIC RIGHT VENTRICULAR DYSPLASIA, FAMILIAL, 10; Arrhythmogenic right ventricular dysplasia/cardiomyopathy, type 10. Identifiers: MedGen C1857777, MONDO:0012434, OMIM 610193.

Submission:

Labcorp Genetics (formerly Invitae), Labcorp
Classification: Uncertain significance for Arrhythmogenic right ventricular dysplasia 10. Last evaluated: 2020-02-13. Review status: criteria provided, single submitter. Criteria: Invitae Variant Classification Sherloc (09022015). Collection method: clinical testing. Allele origin: germline.
Comment: This variant, c.1361_1387del, results in the deletion of 9 amino acid(s) of the DSG2 protein (p.Asp454_Asn462del), but otherwise preserves the integrity of the reading frame. This variant is not present in population databases (ExAC no frequency). This variant has not been reported in the literature in individuals with DSG2-related conditions. Experimental studies and prediction algorithms are not available or were not evaluated, and the functional significance of this variant is currently unknown. In summary, the available evidence is currently insufficient to determine the role of this variant in disease. Therefore, it has been classified as a Variant of Uncertain Significance.